The following is an entry in ClinVar:

ClinVar aggregate classification (germline): Uncertain significance. Review status: criteria provided, multiple submitters, no conflicts (2 of 4 stars). 2 submissions from 2 submitters: Uncertain significance (2). Last evaluated 2024-12-31.

Conditions:
Inborn genetic diseases. Identifiers: MedGen C0950123, MeSH D030342.

gnomAD v4.1: 26 of 1,613,876 alleles (0.0016%); highest among the groups gnomAD compares: Middle Eastern, 0.017%; no homozygotes.

Submissions (2):

Ambry Genetics
Classification: Uncertain significance for Inborn genetic diseases. Last evaluated: 2024-12-31. Review status: criteria provided, single submitter. Criteria: Ambry Variant Classification Scheme 2023. Collection method: clinical testing. Allele origin: germline.

Labcorp Genetics (formerly Invitae), Labcorp
Classification: Uncertain significance. Last evaluated: 2023-05-18. Review status: criteria provided, single submitter. Criteria: Invitae Variant Classification Sherloc (09022015). Collection method: clinical testing. Allele origin: germline.
Comment: In summary, the available evidence is currently insufficient to determine the role of this variant in disease. Therefore, it has been classified as a Variant of Uncertain Significance. An algorithm developed to predict the effect of missense changes on protein structure and function (PolyPhen-2) suggests that this variant is likely to be disruptive. ClinVar contains an entry for this variant (Variation ID: 2174822). This variant has not been reported in the literature in individuals affected with ADAMTS17-related conditions. This variant is present in population databases (rs201676815, gnomAD 0.07%). This sequence change replaces glycine, which is neutral and non-polar, with tryptophan, which is neutral and slightly polar, at codon 811 of the ADAMTS17 protein (p.Gly811Trp).

NM_139057.4(ADAMTS17):c.2431G>T (p.Gly811Trp)

Gene: ADAMTS17 (ADAM metallopeptidase with thrombospondin type 1 motif 17; minus strand). Cytogenetic location: 15q26.3.
Variant type: single nucleotide variant.
Coding change: c.2431G>T on transcript NM_139057.4 (MANE Select); coding-DNA position 2431, G replaced by T.
Protein change: p.Gly811Trp; replaces glycine 811 with tryptophan.
Molecular consequence: missense variant.
Genome position (GRCh38, 1-based): chr15:100,051,596, C>A on the plus strand (G>T on the coding strand, the complement: ADAMTS17 is on the minus strand). VCF-style: chr15-100051596-C-A. GRCh37 (hg19) VCF-style: chr15-100591801-C-A.
Other names: c.2431G>T (NM_139057.2); short protein forms G811W.
Identifiers: ClinVar variation 2174822 (VCV002174822.3), dbSNP rs201676815, ClinGen allele CA7757735.